The following is an entry in ClinVar:

ClinVar aggregate classification (germline): Conflicting classifications of pathogenicity. Review status: criteria provided, conflicting classifications (1 of 4 stars). 4 submissions from 4 submitters: Uncertain significance (1); Likely benign (3). Last evaluated 2026-04-04.

Conditions:
TNNT2-related disorder. Also called: TNNT2-related condition.
Dilated cardiomyopathy 1D. Identifiers: Orphanet 154, Orphanet 54260, MedGen C1832243, MONDO:0011095, OMIM 601494.

Allele frequency attached by ClinVar (database versions not stated): TOPMed 0.00001; gnomAD 0.00002; gnomAD exomes 0.00005; ExAC 0.00011; 1000 Genomes Project 30x 0.00016; 1000 Genomes Project 0.00020.
gnomAD v4.1: 73 of 1,614,226 alleles (0.0045%); highest among the groups gnomAD compares: South Asian, 0.072%; no homozygotes.

Submissions (4):

Centre for Medical Genetics,  Mumbai
Classification: Likely benign for Dilated cardiomyopathy 1D. Last evaluated: 2026-04-04. Review status: criteria provided, single submitter. Criteria: ACMG Guidelines, 2015. Collection method: provider interpretation. Allele origin: germline. Inheritance: Autosomal dominant inheritance. Affected: no. Observed: 1 variant allele, 1 homozygote.
Comment: The variant satisfies PP2 criteria; Missense variant in a gene with low rate of benign missense mutations and for which missense mutation is a common mechanism of a disease. However, the variant satisfies BS2 criteria.

PreventionGenetics, part of Exact Sciences
Classification: Likely benign for TNNT2-related condition. Last evaluated: 2025-12-30. Review status: criteria provided, single submitter. Criteria: ACMG Guidelines, 2015. Collection method: clinical testing. Allele origin: germline.
Comment: This variant is classified as likely benign based on ACMG/AMP sequence variant interpretation guidelines (Richards et al. 2015 PMID: 25741868, with internal and published modifications).

GeneDx
Classification: Uncertain significance. Last evaluated: 2022-09-23. Review status: criteria provided, single submitter. Criteria: GeneDx Variant Classification Process June 2021. Collection method: clinical testing. Allele origin: germline. Affected: yes.
Comment: In silico analysis supports that this missense variant does not alter protein structure/function; Has not been previously published as pathogenic or benign to our knowledge; Reported using an alternate transcript of the gene

Blueprint Genetics
Classification: Likely benign. Last evaluated: 2018-09-23. Review status: criteria provided, single submitter. Criteria: ACMG Guidelines, 2015. Collection method: clinical testing. Allele origin: germline.

Literature cited by the submitters: PubMed 11106718 (cited by Centre for Medical Genetics,  Mumbai).

NM_001276345.2(TNNT2):c.94G>C (p.Asp32His)

Gene: TNNT2 (troponin T2, cardiac type; minus strand). Cytogenetic location: 1q32.1.
Variant type: single nucleotide variant.
Coding change: c.94G>C on transcript NM_001276345.2 (MANE Select); coding-DNA position 94, G replaced by C.
Protein change: p.Asp32His; replaces aspartic acid 32 with histidine.
Molecular consequence: missense variant. On other transcripts: intron variant (9).
Genome position (GRCh38, 1-based): chr1:201,369,819, C>G on the plus strand (G>C on the coding strand, the complement: TNNT2 is on the minus strand). VCF-style: chr1-201369819-C-G. GRCh37 (hg19) VCF-style: chr1-201338947-C-G.
Other names: c.94G>C, p.Asp32His (NM_000364.4, NM_001276346.2, NM_001406723.1); c.68-1592G>C (NM_001406727.1, NM_001406724.1, NM_001406725.1 and 4 more transcripts); c.53-1592G>C (NM_001001432.3, NM_001406728.1); c.94G>C (NM_001276345.1); short protein forms D32H.
Identifiers: ClinVar variation 2446276 (VCV002446276.4), dbSNP rs572078239, ClinGen allele CA032911.
Genomic context (GRCh38, chr1:201,369,819, plus strand): 5'-GGCTGCACTTGGGACAGCAGGCAGCAGAAAGCACCACAGAAGGAAAGGCTGTACTACCGT[C>G]TTCGTCCTCTCTCCAGTCCTCCTCTTCTGAGGTTCAGGGAGTGGCCGCAGCGGAGGGGAA-3'
Protein context (NP_001263274.1, residues 22-42): EEEEDWREDE[Asp32His]EQEEAAEEDA